The following is an entry in ClinVar:

ClinVar aggregate classification (germline): Uncertain significance (1 of 4 stars; one submission).

Conditions:
Hypertrophic cardiomyopathy. Also called: HYPERTROPHIC MYOCARDIOPATHY. Identifiers: Orphanet 217569, MedGen C0007194, MeSH D002312, MONDO:0005045, HP:0001639.

gnomAD v4.1: 3 of 1,611,784 alleles (0.00019%); highest among the groups gnomAD compares: South Asian, 0.0033%; no homozygotes.

Submission:

Labcorp Genetics (formerly Invitae), Labcorp
Classification: Uncertain significance for Hypertrophic cardiomyopathy. Last evaluated: 2025-11-25. Review status: criteria provided, single submitter. Criteria: Invitae Variant Classification Sherloc (09022015). Collection method: clinical testing. Allele origin: germline.
Comment: This sequence change creates a premature translational stop signal (p.Glu1367*) in the MYOM1 gene. It is expected to result in an absent or disrupted protein product. However, the current clinical and genetic evidence is not sufficient to establish whether loss-of-function variants in MYOM1 cause disease. This variant is present in population databases (rs752653048, gnomAD 0.003%). This variant has not been reported in the literature in individuals affected with MYOM1-related conditions. Algorithms developed to predict the effect of sequence changes on RNA splicing suggest that this variant may disrupt the consensus splice site. In summary, the available evidence is currently insufficient to determine the role of this variant in disease. Therefore, it has been classified as a Variant of Uncertain Significance.

NM_003803.4(MYOM1):c.4099G>T (p.Glu1367Ter)

Gene: MYOM1 (myomesin 1; minus strand). Cytogenetic location: 18p11.31.
Variant type: single nucleotide variant.
Coding change: c.4099G>T on transcript NM_003803.4 (MANE Select); coding-DNA position 4099, G replaced by T.
Protein change: p.Glu1367Ter; replaces glutamic acid 1367 with a stop codon.
Molecular consequence: nonsense.
Genome position (GRCh38, 1-based): chr18:3,089,212, C>A on the plus strand (G>T on the coding strand, the complement: MYOM1 is on the minus strand). VCF-style: chr18-3089212-C-A. GRCh37 (hg19) VCF-style: chr18-3089210-C-A.
Other names: c.3811G>T, p.Glu1271Ter (NM_019856.2); short protein forms E1367*, E1271*.
Identifiers: ClinVar variation 4754662 (VCV004754662.1).